The following is an entry in ClinVar:

ClinVar aggregate classification (germline): Pathogenic/Likely pathogenic. Review status: criteria provided, multiple submitters, no conflicts (2 of 4 stars). 5 submissions from 5 submitters: Pathogenic (1); Likely pathogenic (3). 1 of the submissions does not count toward it. Last evaluated 2026-09-15.

Conditions:
ABCC6-related disorder. Also called: ABCC6-related condition.
Arterial calcification, generalized, of infancy, 2. Identifiers: Orphanet 51608, MedGen C3276161, MONDO:0013768, OMIM 614473.
Autosomal recessive inherited pseudoxanthoma elasticum (PXE). Identifiers: Orphanet 758, MedGen CN032334, MONDO:0009925, OMIM 264800.

Allele frequency attached by ClinVar (database versions not stated): gnomAD 0.00002; TOPMed 0.00002; gnomAD exomes 0.00001.
gnomAD v4.1: 11 of 1,613,564 alleles (0.00068%); highest among the groups gnomAD compares: Non-Finnish European, 0.00093%; no homozygotes.

Submissions (5):

PreventionGenetics, part of Exact Sciences
Classification: Likely pathogenic for ABCC6-related condition. Last evaluated: 2026-09-15. Review status: criteria provided, single submitter. Criteria: ACMG Guidelines, 2015. Collection method: clinical testing. Allele origin: germline.
Comment: The ABCC6 c.3188T>G variant is predicted to result in the amino acid substitution p.Leu1063Arg. This variant has been reported in three individuals with pseudoxanthoma elasticum along with a second potentially causative variant, including in the compound heterozygous state with at least one loss of function variant (Schulz et al. 2006. PubMed ID: 16835894; Table S1, Saeidian et al. 2021. PubMed ID: 34906475). This variant has also been described in large cohorts of individuals with pseudoxanthoma elasticum (Table S1, Bartstra et al. 2021. PubMed ID: 33812167). This variant is reported in 0.0018% of alleles in individuals of European (Non-Finnish) descent in gnomAD. This variant is interpreted as likely pathogenic.

OLLIN Analises Genomicas, OLLIN
Classification: Likely pathogenic for Arterial calcification, generalized, of infancy, 2. Last evaluated: 2026-08-06. Review status: criteria provided, single submitter. Criteria: ACMG Guidelines 2015 PMID 25741868. Collection method: clinical testing. Allele origin: germline. Inheritance: Autosomal recessive inheritance.
Comment: This missense variant, located in exon 23 (of 31), has been reported in ClinVar (accession VCV000433304.8), in gnomAD with an allele frequency of 0.00068%, and in the scientific literature, in compound heterozygosity, in individuals with ABCC6 related disorders (PMID: 16835894, 20801516, 32873932, 33812167). In silico analysis predicts that this variant has a deleterious effect. According to the currently available evidence, this variant has been classified as likely pathogenic (PM2_P, PM3_S, PP3_M).

Labcorp Genetics (formerly Invitae), Labcorp
Classification: Pathogenic. Last evaluated: 2025-06-03. Review status: criteria provided, single submitter. Criteria: Invitae Variant Classification Sherloc (09022015). Collection method: clinical testing. Allele origin: germline.
Comment: This sequence change replaces leucine, which is neutral and non-polar, with arginine, which is basic and polar, at codon 1063 of the ABCC6 protein (p.Leu1063Arg). This variant is present in population databases (rs72657695, gnomAD 0.002%). This missense change has been observed in individual(s) with clinical features of pseudoxanthoma elasticum (PMID: 16835894, 20801516, 32873932, 33812167; internal data). In at least one individual the data is consistent with being in trans (on the opposite chromosome) from a pathogenic variant. ClinVar contains an entry for this variant (Variation ID: 433304). Invitae Evidence Modeling of protein sequence and biophysical properties (such as structural, functional, and spatial information, amino acid conservation, physicochemical variation, residue mobility, and thermodynamic stability) indicates that this missense variant is expected to disrupt ABCC6 protein function with a positive predictive value of 95%. For these reasons, this variant has been classified as Pathogenic.

Blueprint Genetics
Classification: Likely pathogenic for ABCC6-related disorders. Last evaluated: 2022-10-01. Review status: criteria provided, single submitter. Criteria: ACMG Guidelines, 2015. Collection method: clinical testing. Allele origin: germline. Affected: yes. Observed: 4 variant alleles.

PXE International
Classification: Uncertain significance for Autosomal recessive inherited pseudoxanthoma elasticum. Last evaluated: 2021-02-02. Review status: no assertion criteria provided. Collection method: research. Allele origin: germline. Inheritance: Autosomal recessive inheritance. Affected: yes. Not counted in ClinVar's aggregate classification.

Literature cited by the submitters: PubMed 16835894 (cited by 3 submitters); PubMed 20801516 (cited by OLLIN Analises Genomicas, OLLIN and Labcorp Genetics (formerly Invitae), Labcorp); PubMed 32873932 (cited by 3 submitters); PubMed 33812167 (cited by OLLIN Analises Genomicas, OLLIN and Labcorp Genetics (formerly Invitae), Labcorp).

NM_001171.6(ABCC6):c.3188T>G (p.Leu1063Arg)

Gene: ABCC6 (ATP binding cassette subfamily C member 6; minus strand). Cytogenetic location: 16p13.11.
Variant type: single nucleotide variant.
Coding change: c.3188T>G on transcript NM_001171.6 (MANE Select); coding-DNA position 3188, T replaced by G.
Protein change: p.Leu1063Arg; replaces leucine 1063 with arginine.
Molecular consequence: missense variant. On other transcripts: non-coding transcript variant (1).
Genome position (GRCh38, 1-based): chr16:16,165,741, A>C on the plus strand (T>G on the coding strand, the complement: ABCC6 is on the minus strand). VCF-style: chr16-16165741-A-C. GRCh37 (hg19) VCF-style: chr16-16259598-A-C.
Other names: c.2846T>G, p.Leu949Arg (NM_001351800.1); short protein forms L1063R, L949R.
Identifiers: ClinVar variation 433304 (VCV000433304.10), dbSNP rs72657695, ClinGen allele CA278633021.